The following is an entry in ClinVar:

NM_006904.7(PRKDC):c.1606A>G (p.Ser536Gly)

Gene: PRKDC (protein kinase, DNA-activated, catalytic subunit; minus strand). Cytogenetic location: 8q11.21.
Variant type: single nucleotide variant.
Coding change: c.1606A>G on transcript NM_006904.7 (MANE Select); coding-DNA position 1606, A replaced by G.
Protein change: p.Ser536Gly; replaces serine 536 with glycine.
Molecular consequence: missense variant.
Genome position (GRCh38, 1-based): chr8:47,933,982, T>C on the plus strand (A>G on the coding strand, the complement: PRKDC is on the minus strand). VCF-style: chr8-47933982-T-C. GRCh37 (hg19) VCF-style: chr8-48846542-T-C.
Other names: c.1606A>G, p.Ser536Gly (NM_001081640.2); short protein forms S536G.
Identifiers: ClinVar variation 1776283 (VCV001776283.2), dbSNP rs1300063119, ClinGen allele CA371165284.
Genomic context (GRCh38, chr8:47,933,982, plus strand): 5'-AAGGAAGTAAGGTACATTTATGGCTTTCAATGGTAAATGTTACCATCATCTGGTCAGAGC[T>C]CAGGAGATGTCTGAAGAGATCCACGTAGTCTTTGTATGTGGGCACCTTCCATTTGCCAGT-3'
Protein context (NP_008835.5, residues 526-546): DYVDLFRHLL[Ser536Gly]SDQMMDSILA

ClinVar aggregate classification (germline): Uncertain significance (1 of 4 stars; one submission).

Allele frequency attached by ClinVar (database versions not stated): gnomAD exomes below 0.00001; gnomAD 0.00001; TOPMed 0.00001.
gnomAD v4.1: 3 of 1,612,756 alleles (0.00019%); highest among the groups gnomAD compares: Admixed American, 0.0033%; no homozygotes.

Submission:

Ambry Genetics
Classification: Uncertain significance. Last evaluated: 2022-10-27. Review status: criteria provided, single submitter. Criteria: Ambry Variant Classification Scheme 2023. Collection method: clinical testing. Allele origin: germline.
Comment: The p.S536G variant (also known as c.1606A>G), located in coding exon 15 of the PRKDC gene, results from an A to G substitution at nucleotide position 1606. The serine at codon 536 is replaced by glycine, an amino acid with similar properties. This amino acid position is conserved. In addition, this alteration is predicted to be tolerated by in silico analysis. Since supporting evidence is limited at this time, the clinical significance of this alteration remains unclear.